The following is an entry in ClinVar:

ClinVar aggregate classification (germline): Uncertain significance (1 of 4 stars; one submission).

Conditions:
Townes syndrome (TBS). Also called: Townes-Brocks syndrome. Identifiers: Orphanet 857, MedGen C0265246, MeSH C536974, MONDO:0007142.

Submission:

Labcorp Genetics (formerly Invitae), Labcorp
Classification: Uncertain significance for Townes syndrome. Last evaluated: 2023-03-24. Review status: criteria provided, single submitter. Criteria: Invitae Variant Classification Sherloc (09022015). Collection method: clinical testing. Allele origin: germline.
Comment: This variant, c.477_478insAGCACC, results in the insertion of 2 amino acid(s) of the SALL1 protein (p.Ser159_Gly160insSerThr), but otherwise preserves the integrity of the reading frame. This variant is not present in population databases (gnomAD no frequency). This variant has not been reported in the literature in individuals affected with SALL1-related conditions. Experimental studies and prediction algorithms are not available or were not evaluated, and the functional significance of this variant is currently unknown. In summary, the available evidence is currently insufficient to determine the role of this variant in disease. Therefore, it has been classified as a Variant of Uncertain Significance.

NM_002968.3(SALL1):c.477_478insAGCACC (p.Ser159_Gly160insSerThr)

Gene: SALL1 (spalt like transcription factor 1; minus strand). Cytogenetic location: 16q12.1.
Variant type: Insertion.
Coding change: c.477_478insAGCACC on transcript NM_002968.3 (MANE Select); coding-DNA positions 477 to 478, AGCACC inserted.
Protein change: p.Ser159_Gly160insSerThr.
Molecular consequence: inframe insertion.
Genome position: GRCh38 VCF-style: chr16-51141744-C-CGGTGCT. GRCh37 (hg19) VCF-style: chr16-51175655-C-CGGTGCT.
Other names: c.186_187insAGCACC, p.Ser62_Gly63insSerThr (NM_001127892.2).
Identifiers: ClinVar variation 2981973 (VCV002981973.3), dbSNP rs2506496999, ClinGen allele CA2633181105.